The following is an entry in ClinVar:

ClinVar aggregate classification (germline): Uncertain significance (1 of 4 stars; one submission).

Conditions:
Neuroblastoma, susceptibility to, 3. Also called: ALK-Related Neuroblastic Tumor Susceptibility. Identifiers: Orphanet 635, MedGen C2751681, MONDO:0013083, OMIM 613014.

Submission:

Labcorp Genetics (formerly Invitae), Labcorp
Classification: Uncertain significance for Neuroblastoma, susceptibility to, 3. Last evaluated: 2021-12-16. Review status: criteria provided, single submitter. Criteria: Invitae Variant Classification Sherloc (09022015). Collection method: clinical testing. Allele origin: germline.
Comment: In summary, the available evidence is currently insufficient to determine the role of this variant in disease. Therefore, it has been classified as a Variant of Uncertain Significance. Algorithms developed to predict the effect of missense changes on protein structure and function (SIFT, PolyPhen-2, Align-GVGD) all suggest that this variant is likely to be tolerated. ClinVar contains an entry for this variant (Variation ID: 941329). This variant has not been reported in the literature in individuals affected with ALK-related conditions. This variant is not present in population databases (gnomAD no frequency). This sequence change replaces alanine, which is neutral and non-polar, with proline, which is neutral and non-polar, at codon 372 of the ALK protein (p.Ala372Pro).

NM_004304.5(ALK):c.1114G>C (p.Ala372Pro)

Gene: ALK (ALK receptor tyrosine kinase; minus strand). Cytogenetic location: 2p23.2.
Variant type: single nucleotide variant.
Coding change: c.1114G>C on transcript NM_004304.5 (MANE Select); coding-DNA position 1114, G replaced by C.
Protein change: p.Ala372Pro; replaces alanine 372 with proline.
Molecular consequence: missense variant.
Genome position (GRCh38, 1-based): chr2:29,531,955, C>G on the plus strand (G>C on the coding strand, the complement: ALK is on the minus strand). VCF-style: chr2-29531955-C-G. GRCh37 (hg19) VCF-style: chr2-29754821-C-G.
Other names: short protein forms A372P.
Identifiers: ClinVar variation 941329 (VCV000941329.7), dbSNP rs753549939, ClinGen allele CA346587245.